The following is an entry in ClinVar:

ClinVar aggregate classification (germline): Uncertain significance (1 of 4 stars; one submission).

Conditions:
Autosomal dominant childhood-onset proximal spinal muscular atrophy with contractures (SMALED2A). Also called: SPINAL MUSCULAR ATROPHY, LOWER EXTREMITY-PREDOMINANT, 2A, CHILDHOOD ONSET, AUTOSOMAL DOMINANT; Spinal muscular atrophy, lower extremity-predominant, 2A, autosomal dominant. Identifiers: Orphanet 363447, Orphanet 363454, MedGen C4747715, MONDO:0014121, OMIM 615290.

Submission:

Labcorp Genetics (formerly Invitae), Labcorp
Classification: Uncertain significance for Autosomal dominant childhood-onset proximal spinal muscular atrophy with contractures. Last evaluated: 2025-08-05. Review status: criteria provided, single submitter. Criteria: Invitae Variant Classification Sherloc (09022015). Collection method: clinical testing. Allele origin: germline.
Comment: This sequence change replaces serine, which is neutral and polar, with proline, which is neutral and non-polar, at codon 334 of the BICD2 protein (p.Ser334Pro). This variant is not present in population databases (gnomAD no frequency). This variant has not been reported in the literature in individuals affected with BICD2-related conditions. Invitae Evidence Modeling of protein sequence and biophysical properties (such as structural, functional, and spatial information, amino acid conservation, physicochemical variation, residue mobility, and thermodynamic stability) indicates that this missense variant is not expected to disrupt BICD2 protein function with a negative predictive value of 80%. In summary, the available evidence is currently insufficient to determine the role of this variant in disease. Therefore, it has been classified as a Variant of Uncertain Significance.

NM_001003800.2(BICD2):c.1000T>C (p.Ser334Pro)

Gene: BICD2 (BICD cargo adaptor 2; minus strand). Cytogenetic location: 9q22.31.
Variant type: single nucleotide variant.
Coding change: c.1000T>C on transcript NM_001003800.2 (MANE Select); coding-DNA position 1000, T replaced by C.
Protein change: p.Ser334Pro; replaces serine 334 with proline.
Molecular consequence: missense variant.
Genome position (GRCh38, 1-based): chr9:92,720,362, A>G on the plus strand (T>C on the coding strand, the complement: BICD2 is on the minus strand). VCF-style: chr9-92720362-A-G. GRCh37 (hg19) VCF-style: chr9-95482644-A-G.
Other names: c.1000T>C, p.Ser334Pro (NM_015250.4); short protein forms S334P.
Identifiers: ClinVar variation 4738331 (VCV004738331.1).